The following is an entry in ClinVar:

NM_004304.5(ALK):c.26T>G (p.Leu9Arg)

Gene: ALK (ALK receptor tyrosine kinase; minus strand). Cytogenetic location: 2p23.1.
Variant type: single nucleotide variant.
Coding change: c.26T>G on transcript NM_004304.5 (MANE Select); coding-DNA position 26, T replaced by G.
Protein change: p.Leu9Arg; replaces leucine 9 with arginine.
Molecular consequence: missense variant.
Genome position (GRCh38, 1-based): chr2:29,920,634, A>C on the plus strand (T>G on the coding strand, the complement: ALK is on the minus strand). VCF-style: chr2-29920634-A-C. GRCh37 (hg19) VCF-style: chr2-30143500-A-C.
Other names: short protein forms L9R.
Identifiers: ClinVar variation 1044358 (VCV001044358.11), dbSNP rs764671855, ClinGen allele CA346590821.

ClinVar aggregate classification (germline): Uncertain significance. Review status: criteria provided, multiple submitters, no conflicts (2 of 4 stars). 2 submissions from 2 submitters: Uncertain significance (2). Last evaluated 2025-03-10.

Conditions:
Neuroblastoma, susceptibility to, 3. Also called: ALK-Related Neuroblastic Tumor Susceptibility. Identifiers: Orphanet 635, MedGen C2751681, MONDO:0013083, OMIM 613014.
Hereditary cancer-predisposing syndrome. Also called: Hereditary neoplastic syndrome; Neoplastic Syndromes, Hereditary; Tumor predisposition; Hereditary Cancer Syndrome. Identifiers: Orphanet 140162, MedGen C0027672, MeSH D009386, MONDO:0015356.

Submissions (2):

Labcorp Genetics (formerly Invitae), Labcorp
Classification: Uncertain significance for Neuroblastoma, susceptibility to, 3. Last evaluated: 2025-03-10. Review status: criteria provided, single submitter. Criteria: Invitae Variant Classification Sherloc (09022015). Collection method: clinical testing. Allele origin: germline.
Comment: This sequence change replaces leucine, which is neutral and non-polar, with arginine, which is basic and polar, at codon 9 of the ALK protein (p.Leu9Arg). This variant is not present in population databases (gnomAD no frequency). This variant has not been reported in the literature in individuals affected with ALK-related conditions. ClinVar contains an entry for this variant (Variation ID: 1044358). An algorithm developed to predict the effect of missense changes on protein structure and function outputs the following: PolyPhen-2: "Benign". The arginine amino acid residue is found in multiple mammalian species, which suggests that this missense change does not adversely affect protein function. In summary, the available evidence is currently insufficient to determine the role of this variant in disease. Therefore, it has been classified as a Variant of Uncertain Significance.

Ambry Genetics
Classification: Uncertain significance for Hereditary cancer-predisposing syndrome. Last evaluated: 2022-09-28. Review status: criteria provided, single submitter. Criteria: Ambry Variant Classification Scheme 2023. Collection method: clinical testing. Allele origin: germline.
Comment: The p.L9R variant (also known as c.26T>G), located in coding exon 1 of the ALK gene, results from a T to G substitution at nucleotide position 26. The leucine at codon 9 is replaced by arginine, an amino acid with dissimilar properties. This amino acid position is conserved. In addition, the in silico prediction for this alteration is inconclusive. Since supporting evidence is limited at this time, the clinical significance of this alteration remains unclear.